The following is an entry in ClinVar:

ClinVar aggregate classification (germline): Pathogenic. Review status: criteria provided, multiple submitters, no conflicts (2 of 4 stars). 2 submissions from 2 submitters: Pathogenic (2). Last evaluated 2022-05-04.

Conditions:
Juvenile amyotrophic lateral sclerosis (JALS). Also called: Juvenile Amyotrophic Lateral Sclerosis (JALS). Identifiers: Orphanet 300605, MedGen C3468114, MONDO:0017593.
Infantile-onset ascending hereditary spastic paralysis (IAHSP). Also called: Autosomal Recessive Juvenile Amyotrophic Lateral Sclerosis; Infantile-Onset Ascending Hereditary Spastic Paralysis (IAHSP). Identifiers: Orphanet 293168, MedGen C2931441, MONDO:0011797, OMIM 607225. Disease mechanism: loss of function.

Submissions (2):

Broad Center for Mendelian Genomics, Broad Institute of MIT and Harvard
Classification: Pathogenic for Juvenile amyotrophic lateral sclerosis. Last evaluated: 2022-05-04. Review status: criteria provided, single submitter. Criteria: ACMG Guidelines, 2015. Collection method: curation. Allele origin: germline. Inheritance: Autosomal recessive inheritance.
Comment: The variant has not been previously reported in individuals with juvenile amyotrophic lateral sclerosis 2 and was absent from large population studies. This nonsense variant leads to a premature termination codon at position 1424, which is predicted to lead to a truncated or absent protein. Loss of function of the ALS2 gene is an established disease mechanism in autosomal recessive juvenile amyotrophic lateral sclerosis 2. The presence of this variant in 1 affected homozygote increases the likelihood that the p.Gln1424Ter variant is pathogenic. In summary, this variant meets criteria to be classified as pathogenic for juvenile amyotrophic lateral sclerosis 2 in an autosomal recessive manner based on the predicted impact of the variant, its absence from control populations, and the occurrence of this variant in an affected individual. ACMG/AMP Criteria applied: PVS1, PM2, PM3_supporting (Richards 2015).

Medical Molecular Genetics Department, National Research Center
Classification: Pathogenic for Infantile-onset ascending hereditary spastic paralysis. Review status: criteria provided, single submitter. Criteria: ACMG Guidelines, 2015. Collection method: clinical testing. Allele origin: inherited. Affected: yes.

NM_020919.4(ALS2):c.4270C>T (p.Gln1424Ter)

Gene: ALS2 (alsin Rho guanine nucleotide exchange factor ALS2; minus strand). Cytogenetic location: 2q33.1.
Variant type: single nucleotide variant.
Coding change: c.4270C>T on transcript NM_020919.4 (MANE Select); coding-DNA position 4270, C replaced by T.
Protein change: p.Gln1424Ter; replaces glutamine 1424 with a stop codon.
Molecular consequence: nonsense.
Genome position (GRCh38, 1-based): chr2:201,709,891, G>A on the plus strand (C>T on the coding strand, the complement: ALS2 is on the minus strand). VCF-style: chr2-201709891-G-A. GRCh37 (hg19) VCF-style: chr2-202574614-G-A.
Other names: NM_020919.4:c.4270C>T; short protein forms Q1424*.
Identifiers: ClinVar variation 1679834 (VCV001679834.2), dbSNP rs1689931402, ClinGen allele CA350323337.